The following is an entry in ClinVar:

ClinVar aggregate classification (germline): Uncertain significance. Review status: criteria provided, multiple submitters, no conflicts (2 of 4 stars). 2 submissions from 2 submitters: Uncertain significance (2). Last evaluated 2025-05-14.

Conditions:
Arrhythmogenic right ventricular dysplasia 8 (ARVD8). Also called: ARRHYTHMOGENIC RIGHT VENTRICULAR DYSPLASIA, FAMILIAL, 8; ARRHYTHMOGENIC RIGHT VENTRICULAR CARDIOMYOPATHY 8; Arrhythmogenic Right Ventricular Dysplasia/Cardiomyopathy 8. Identifiers: MedGen C1843896, MONDO:0011831, OMIM 607450.
Arrhythmogenic cardiomyopathy with wooly hair and keratoderma. Also called: Arrhythmogenic cardiomyopathy with woolly hair and keratoderma; PALMOPLANTAR KERATODERMA WITH LEFT VENTRICULAR CARDIOMYOPATHY AND WOOLLY HAIR; Carvajal syndrome; Dilated cardiomyopathy with woolly hair and keratoderma. Identifiers: Orphanet 65282, MedGen C1854063, MONDO:0011581, OMIM 605676.
Cardiovascular phenotype. Identifiers: MedGen CN230736.

Submissions (2):

Ambry Genetics
Classification: Uncertain significance for Cardiovascular phenotype. Last evaluated: 2025-05-14. Review status: criteria provided, single submitter. Criteria: Ambry Variant Classification Scheme 2023. Collection method: clinical testing. Allele origin: germline.
Comment: The p.Q1301L variant (also known as c.3902A>T), located in coding exon 23 of the DSP gene, results from an A to T substitution at nucleotide position 3902. The glutamine at codon 1301 is replaced by leucine, an amino acid with dissimilar properties. This amino acid position is conserved. In addition, this alteration is predicted to be tolerated by in silico analysis. Based on the available evidence, the clinical significance of this variant remains unclear.

Labcorp Genetics (formerly Invitae), Labcorp
Classification: Uncertain significance for Arrhythmogenic cardiomyopathy with wooly hair and keratoderma; Arrhythmogenic right ventricular dysplasia 8. Last evaluated: 2021-06-19. Review status: criteria provided, single submitter. Criteria: Invitae Variant Classification Sherloc (09022015). Collection method: clinical testing. Allele origin: germline.
Comment: This sequence change replaces glutamine with leucine at codon 1301 of the DSP protein (p.Gln1301Leu). The glutamine residue is highly conserved and there is a moderate physicochemical difference between glutamine and leucine. This variant is not present in population databases (ExAC no frequency). This variant has not been reported in the literature in individuals with DSP-related conditions. Algorithms developed to predict the effect of missense changes on protein structure and function (SIFT, PolyPhen-2, Align-GVGD) all suggest that this variant is likely to be tolerated, but these predictions have not been confirmed by published functional studies and their clinical significance is uncertain. In summary, the available evidence is currently insufficient to determine the role of this variant in disease. Therefore, it has been classified as a Variant of Uncertain Significance.

NM_004415.4(DSP):c.3902A>T (p.Gln1301Leu)

Gene: DSP (desmoplakin; plus strand). Cytogenetic location: 6p24.3.
Variant type: single nucleotide variant.
Coding change: c.3902A>T on transcript NM_004415.4 (MANE Select); coding-DNA position 3902, A replaced by T.
Protein change: p.Gln1301Leu; replaces glutamine 1301 with leucine.
Molecular consequence: missense variant. On other transcripts: intron variant (1).
Genome position (GRCh38, 1-based): chr6:7,580,092, A>T. VCF-style: chr6-7580092-A-T. GRCh37 (hg19) VCF-style: chr6-7580325-A-T.
Other names: c.3902A>T, p.Gln1301Leu (NM_001319034.2); c.3582+320A>T (NM_001008844.3); c.3902A>T (NM_004415.2); short protein forms Q1301L.
Identifiers: ClinVar variation 1434655 (VCV001434655.9), dbSNP rs2113692916, ClinGen allele CA362685109.
Genomic context (GRCh38, chr6:7,580,092, plus strand): 5'-GCTCTGAGATAATGCAGAAGAAGCAGCATCTGGAGATAGAACTGAAGCAGGTCATGCAGC[A>T]GCGCTCTGAGGACAATGCCCGGCACAAGCAGTCCCTGGAGGAGGCTGCCAAGACCATTCA-3'
Protein context (NP_004406.2, residues 1291-1311): LEIELKQVMQ[Gln1301Leu]RSEDNARHKQ